The following is an entry in ClinVar:

ClinVar aggregate classification (germline): Uncertain significance (1 of 4 stars; one submission).

Conditions:
Immunodeficiency 39 (IMD39). Identifiers: Orphanet 574918, MedGen C4225358, MONDO:0014597, OMIM 616345.

Allele frequency attached by ClinVar (database versions not stated): TOPMed below 0.00001; gnomAD exomes 0.00001.
gnomAD v4.1: 17 of 1,566,394 alleles (0.0011%); highest among the groups gnomAD compares: East Asian, 0.0024%; no homozygotes.

Submission:

Labcorp Genetics (formerly Invitae), Labcorp
Classification: Uncertain significance for Immunodeficiency 39. Last evaluated: 2025-08-17. Review status: criteria provided, single submitter. Criteria: Invitae Variant Classification Sherloc (09022015). Collection method: clinical testing. Allele origin: germline.
Comment: This sequence change affects codon 164 of the IRF7 mRNA. It is a 'silent' change, meaning that it does not change the encoded amino acid sequence of the IRF7 protein. This variant also falls at the last nucleotide of exon 3, which is part of the consensus splice site for this exon. This variant is not present in population databases (gnomAD no frequency). This variant has not been reported in the literature in individuals affected with IRF7-related conditions. ClinVar contains an entry for this variant (Variation ID: 1365088). Variants that disrupt the consensus splice site are a relatively common cause of aberrant splicing (PMID: 17576681, 9536098). Algorithms developed to predict the effect of sequence changes on RNA splicing suggest that this variant may disrupt the consensus splice site. In summary, the available evidence is currently insufficient to determine the role of this variant in disease. Therefore, it has been classified as a Variant of Uncertain Significance.

Literature cited by the submitters: PubMed 17576681; PubMed 9536098.

NM_001572.5(IRF7):c.453G>A (p.Gln151=)

Gene: IRF7 (interferon regulatory factor 7; minus strand). Cytogenetic location: 11p15.5.
Variant type: single nucleotide variant.
Coding change: c.453G>A on transcript NM_001572.5 (MANE Select); coding-DNA position 453, G replaced by A.
Protein change: p.Gln151=; no amino-acid change (glutamine 151 retained).
Molecular consequence: synonymous variant.
Genome position (GRCh38, 1-based): chr11:614,476, C>T on the plus strand (G>A on the coding strand, the complement: IRF7 is on the minus strand). VCF-style: chr11-614476-C-T. GRCh37 (hg19) VCF-style: chr11-614476-C-T.
Other names: c.453G>A, p.Gln151= (NM_004029.4); c.492G>A, p.Gln164= (NM_004031.4).
Identifiers: ClinVar variation 1365088 (VCV001365088.6), dbSNP rs1856698059, ClinGen allele CA472434638.
Genomic context (GRCh38, chr11:614,476, plus strand): 5'-GGGTGAACGTAAGCAGCTCCGCGGCCTGGCAGGAGGAGAGGCAGGCAGAGAGAAGGGTAC[C>T]TGTGGTGGTGGGACAGCTGCGGGGGCCTCTGCCTCAGTCTGGTCCGTGCCTGGGCCTTCT-3'
Protein context (NP_001563.2, residues 141-161): AEAPAAVPPP[Gln151=]GGPPGPFLAH